The following is an entry in ClinVar:

ClinVar aggregate classification (germline): Uncertain significance. Review status: criteria provided, multiple submitters, no conflicts (2 of 4 stars). 2 submissions from 2 submitters: Uncertain significance (2). Last evaluated 2024-08-21.

Allele frequency attached by ClinVar (database versions not stated): gnomAD 0.00001; TOPMed 0.00001; gnomAD exomes 0.00003.
gnomAD v4.1: 42 of 1,197,589 alleles (0.0035%); highest among the groups gnomAD compares: Non-Finnish European, 0.0041%; no homozygotes.

Submissions (2):

Ambry Genetics
Classification: Uncertain significance. Last evaluated: 2024-08-21. Review status: criteria provided, single submitter. Criteria: Ambry Variant Classification Scheme 2023. Collection method: clinical testing. Allele origin: germline.

Greenwood Genetic Center Diagnostic Laboratories, Greenwood Genetic Center
Classification: Uncertain significance. Last evaluated: 2022-04-13. Review status: criteria provided, single submitter. Criteria: ACMG Guidelines, 2015. Collection method: clinical testing. Allele origin: germline. Affected: yes.
Comment: Gene of Uncertain Significance

NM_001649.4(SHROOM2):c.4769G>A (p.Arg1590Gln)

Gene: SHROOM2 (shroom family member 2; plus strand). Cytogenetic location: Xp22.2.
Variant type: single nucleotide variant.
Coding change: c.4769G>A on transcript NM_001649.4 (MANE Select); coding-DNA position 4769, G replaced by A.
Protein change: p.Arg1590Gln; replaces arginine 1590 with glutamine.
Molecular consequence: missense variant.
Genome position (GRCh38, 1-based): chrX:9,946,855, G>A. VCF-style: chrX-9946855-G-A. GRCh37 (hg19) VCF-style: chrX-9914895-G-A.
Other names: c.1274G>A, p.Arg425Gln (NM_001320663.2); c.1271G>A, p.Arg424Gln (NM_001320664.2); c.4769G>A (NM_001649.2); short protein forms R1590Q, R424Q, R425Q.
Identifiers: ClinVar variation 1703139 (VCV001703139.4), dbSNP rs773254075, ClinGen allele CA326590102.